The following is an entry in ClinVar:

NM_002047.4(GARS1):c.463T>A (p.Cys155Ser)

Gene: GARS1 (glycyl-tRNA synthetase 1; plus strand). Cytogenetic location: 7p14.3.
Variant type: single nucleotide variant.
Coding change: c.463T>A on transcript NM_002047.4 (MANE Select); coding-DNA position 463, T replaced by A.
Protein change: p.Cys155Ser; replaces cysteine 155 with serine.
Molecular consequence: missense variant.
Genome position (GRCh38, 1-based): chr7:30,601,094, T>A. VCF-style: chr7-30601094-T-A. GRCh37 (hg19) VCF-style: chr7-30640710-T-A.
Other names: c.301T>A, p.Cys101Ser (NM_001316772.1); short protein forms C155S, C101S.
Identifiers: ClinVar variation 2028900 (VCV002028900.4), dbSNP rs2534290485, ClinGen allele CA367139389.

ClinVar aggregate classification (germline): Uncertain significance (1 of 4 stars; one submission).

Conditions:
Charcot-Marie-Tooth disease type 2. Also called: Charcot-Marie-Tooth type 2. Identifiers: Orphanet 64746, MedGen C0270914, MONDO:0018993.

Submission:

Labcorp Genetics (formerly Invitae), Labcorp
Classification: Uncertain significance for Charcot-Marie-Tooth disease type 2. Last evaluated: 2025-10-06. Review status: criteria provided, single submitter. Criteria: Invitae Variant Classification Sherloc (09022015). Collection method: clinical testing. Allele origin: germline.
Comment: This sequence change replaces cysteine, which is neutral and slightly polar, with serine, which is neutral and polar, at codon 155 of the GARS protein (p.Cys155Ser). This variant is not present in population databases (gnomAD no frequency). This variant has not been reported in the literature in individuals affected with GARS-related conditions. ClinVar contains an entry for this variant (Variation ID: 2028900). Invitae Evidence Modeling of protein sequence and biophysical properties (such as structural, functional, and spatial information, amino acid conservation, physicochemical variation, residue mobility, and thermodynamic stability) indicates that this missense variant is not expected to disrupt GARS protein function with a negative predictive value of 80%. In summary, the available evidence is currently insufficient to determine the role of this variant in disease. Therefore, it has been classified as a Variant of Uncertain Significance.